The following is an entry in ClinVar:

ClinVar aggregate classification (germline): Conflicting classifications of pathogenicity. Review status: criteria provided, conflicting classifications (1 of 4 stars). 10 submissions from 10 submitters: Uncertain significance (2); Likely benign (6). 2 of the submissions do not count toward it. Last evaluated 2025-12-22.

Conditions:
Hereditary cancer-predisposing syndrome. Also called: Hereditary Cancer Syndrome; Hereditary neoplastic syndrome; Neoplastic Syndromes, Hereditary; Tumor predisposition. Identifiers: Orphanet 140162, MedGen C0027672, MeSH D009386, MONDO:0015356.
Hereditary breast ovarian cancer syndrome. Also called: BRCA1- and BRCA2-Associated Hereditary Breast and Ovarian Cancer; Hereditary breast and ovarian cancer syndrome; Hereditary breast and ovarian cancer syndrome (HBOC); Breast and ovarian cancer; Hereditary breast and/or ovarian cancer syndrome; Hereditary breast and ovarian cancer. Identifiers: Orphanet 145, MedGen C0677776, MeSH D061325, MONDO:0003582. Disease mechanism: loss of function.
Breast-ovarian cancer, familial, susceptibility to, 1 (BROVCA1). Also called: BRCA1 Hereditary Breast and Ovarian Cancer; OVARIAN CANCER, SUSCEPTIBILITY TO. Identifiers: Orphanet 145, MedGen C2676676, MONDO:0011450, OMIM 604370. Disease mechanism: loss of function.
BRCA1-related cancer predisposition. Identifiers: MedGen CN377757, MONDO:0700268.
Familial cancer of breast. Also called: hereditary breast carcinoma; BREAST CANCER, FAMILIAL; Hereditary breast cancer. Identifiers: Orphanet 227535, MedGen C0346153, MONDO:0016419, OMIM 114480. Disease mechanism: loss of function.

Allele frequency attached by ClinVar (database versions not stated): gnomAD exomes below 0.00001 and 0.00003; gnomAD 0.00001; ExAC 0.00003; TOPMed 0.00002.
gnomAD v4.1: 8 of 1,614,076 alleles (0.0005%); highest among the groups gnomAD compares: East Asian, 0.016%; no homozygotes.

Submissions (10):

Labcorp Genetics (formerly Invitae), Labcorp
Classification: Likely benign for Hereditary breast ovarian cancer syndrome. Last evaluated: 2025-12-22. Review status: criteria provided, single submitter. Criteria: Invitae Variant Classification Sherloc (09022015). Collection method: clinical testing. Allele origin: germline.

Women's Health and Genetics/Laboratory Corporation of America, LabCorp
Classification: Likely benign. Last evaluated: 2025-04-18. Review status: criteria provided, single submitter. Criteria: LabCorp Variant Classification Summary - May 2015. Collection method: clinical testing. Allele origin: germline.
Comment: Variant summary: BRCA1 c.3662A>C (p.Glu1221Ala) results in a non-conservative amino acid change in the encoded protein sequence. Four of five in-silico tools predict a damaging effect of the variant on protein function. The variant allele was found at a frequency of 2.8e-05 in 251296 control chromosomes (gnomAD). c.3662A>C has been observed in individuals affected with breast or ovarian cancer, as well as unaffected controls (Thirthagiri_2008, Hasmad_2016, Lai_2017, Dorling_2021, Kwong_2022). These reports do not provide unequivocal conclusions about association of the variant with Hereditary Breast And Ovarian Cancer Syndrome. Co-occurrence with at least one other pathogenic variant has been reported (BRCA1 c.5266dupC, p.Gln1756ProfsX74, BIC database), providing supporting evidence for a benign role. To our knowledge, no experimental evidence demonstrating an impact on protein function has been reported. The following publications have been ascertained in the context of this evaluation (PMID: 18627636, 35641994, 28222693, 26541979, 33471991). ClinVar contains an entry for this variant (Variation ID: 54958). Based on the evidence outlined above, the variant was classified as likely benign.

All of Us Research Program, National Institutes of Health
Classification: Likely benign for BRCA1-related cancer predisposition. Last evaluated: 2024-02-22. Review status: criteria provided, single submitter. Criteria: ACMG Guidelines, 2015. Collection method: clinical testing. Allele origin: germline. Inheritance: Autosomal dominant inheritance. Observed: 2 variant alleles, 2 heterozygotes.
Comment: This study involves interpretation of variants in research participants for the purpose of population health screening. Participant phenotype was not available at the time of variant classification. Additional details can be found in publication PMID: 35346344, PMCID: PMC8962531

Color Diagnostics, LLC DBA Color Health
Classification: Likely benign for Hereditary cancer-predisposing syndrome. Last evaluated: 2024-02-08. Review status: criteria provided, single submitter. Criteria: ACMG Guidelines, 2015. Collection method: clinical testing. Allele origin: germline.

University of Washington Department of Laboratory Medicine, University of Washington
Classification: Likely benign for Hereditary cancer-predisposing syndrome. Last evaluated: 2023-03-23. Review status: criteria provided, single submitter. Criteria: Dines et al. (Genet Med. 2020). Collection method: curation. Allele origin: germline.
Comment: Missense variant in a coldspot region where missense variants are very unlikely to be pathogenic (PMID:31911673).

BRCA1 coldspot (exon 11 using historical exon numbering). Reclassification based on statistical prior probability

Ambry Genetics
Classification: Likely benign for Hereditary cancer-predisposing syndrome. Last evaluated: 2022-11-03. Review status: criteria provided, single submitter. Criteria: Ambry Variant Classification Scheme 2023. Collection method: clinical testing. Allele origin: germline.

Quest Diagnostics Nichols Institute San Juan Capistrano
Classification: Uncertain significance. Last evaluated: 2021-01-07. Review status: criteria provided, single submitter. Criteria: Quest Diagnostics criteria. Collection method: clinical testing. Allele origin: unknown.

GeneDx
Classification: Uncertain significance. Last evaluated: 2020-01-09. Review status: criteria provided, single submitter. Criteria: GeneDx Variant Classification Process June 2021. Collection method: clinical testing. Allele origin: germline. Affected: yes.
Comment: In silico analysis, which includes protein predictors and evolutionary conservation, supports that this variant does not alter protein structure/function; This variant is associated with the following publications: (PMID: 18627636, 27157322, 28222693, 30287823, 30702160, 31825140)

Breast Cancer Information Core (BIC) (BRCA1)
Classification: Uncertain significance for Breast-ovarian cancer, familial 1. Last evaluated: 2010-09-18. Review status: no assertion criteria provided. Collection method: clinical testing. Allele origin: germline. Affected: yes. Observed: 3 variant alleles. Not counted in ClinVar's aggregate classification.

Center for Precision Medicine, Meizhou People's Hospital
Classification: Uncertain significance for Familial cancer of breast. Review status: no assertion criteria provided. Collection method: literature only. Allele origin: germline. Affected: yes. Not counted in ClinVar's aggregate classification.

Literature cited by the submitters: PubMed 18627636 (cited by 3 submitters); PubMed 28222693 (cited by 3 submitters); PubMed 26541979 (cited by Women's Health and Genetics/Laboratory Corporation of America, LabCorp); PubMed 33471991 (cited by Women's Health and Genetics/Laboratory Corporation of America, LabCorp); PubMed 35641994 (cited by Women's Health and Genetics/Laboratory Corporation of America, LabCorp); PubMed 30287823 (cited by 3 submitters); PubMed 30702160 (cited by Quest Diagnostics Nichols Institute San Juan Capistrano and Center for Precision Medicine, Meizhou People's Hospital).

NM_007294.4(BRCA1):c.3662A>C (p.Glu1221Ala)

Genes: BRCA1 (BRCA1 DNA repair associated; minus strand), LOC126862571 (BRD4-independent group 4 enhancer GRCh37_chr17:41243136-41244335; plus strand). Cytogenetic location: 17q21.31.
Variant type: single nucleotide variant.
Coding change: c.3662A>C on transcript NM_007294.4 (MANE Select); coding-DNA position 3662, A replaced by C.
Protein change: p.Glu1221Ala; replaces glutamic acid 1221 with alanine.
Molecular consequence: missense variant. On other transcripts: intron variant (135).
Genome position (GRCh38, 1-based): chr17:43,091,869, T>G on the plus strand (A>C on the coding strand, the complement: BRCA1 is on the minus strand). VCF-style: chr17-43091869-T-G. GRCh37 (hg19) VCF-style: chr17-41243886-T-G.
Other names: c.3659A>C, p.Glu1220Ala (NM_001407644.1, NM_001407645.1, NM_001407860.1 and 22 more transcripts); c.3653A>C, p.Glu1218Ala (NM_001407646.1, NM_001407647.1); c.3539A>C, p.Glu1180Ala (NM_001407648.1, NM_001407664.1, NM_001407665.1 and 19 more transcripts); c.3536A>C, p.Glu1179Ala (NM_001407649.1, NM_001407670.1, NM_001407671.1 and 11 more transcripts); c.3662A>C, p.Glu1221Ala (NM_001407652.1, NM_001407684.1, NM_001407854.1 and 30 more transcripts); c.3584A>C, p.Glu1195Ala (NM_001407653.1, NM_001407654.1, NM_001407655.1 and 4 more transcripts); c.3581A>C, p.Glu1194Ala (NM_001407659.1, NM_001407660.1, NM_001407661.1 and 1 more transcripts); c.3521A>C, p.Glu1174Ala (NM_001407692.1, NM_001407694.1, NM_001407695.1 and 29 more transcripts); and 41 more; short protein forms E1221A, E1174A, E1093A, E1109A, E1132A, E1173A, E1179A, E1180A.
Identifiers: ClinVar variation 54958 (VCV000054958.31), dbSNP rs273900713, ClinGen allele CA002346.